The following is an entry in ClinVar:

NM_000404.4(GLB1):c.956G>A (p.Gly319Glu)

Gene: GLB1 (galactosidase beta 1; minus strand). Cytogenetic location: 3p22.3.
Variant type: single nucleotide variant.
Coding change: c.956G>A on transcript NM_000404.4 (MANE Select); coding-DNA position 956, G replaced by A.
Protein change: p.Gly319Glu; replaces glycine 319 with glutamic acid.
Molecular consequence: missense variant.
Genome position (GRCh38, 1-based): chr3:33,046,232, C>T on the plus strand (G>A on the coding strand, the complement: GLB1 is on the minus strand). VCF-style: chr3-33046232-C-T. GRCh37 (hg19) VCF-style: chr3-33087724-C-T.
Other names: c.866G>A, p.Gly289Glu (NM_001079811.3); c.563G>A, p.Gly188Glu (NM_001135602.3); c.1100G>A, p.Gly367Glu (NM_001317040.2); c.956G>A, p.Gly319Glu (NM_001393580.1); short protein forms G289E, G319E, G367E, G188E.
Identifiers: ClinVar variation 1408595 (VCV001408595.4), dbSNP rs2125514180, ClinGen allele CA351999508.

ClinVar aggregate classification (germline): Conflicting classifications of pathogenicity. Review status: criteria provided, conflicting classifications (1 of 4 stars). 2 submissions from 2 submitters: Likely pathogenic (1); Uncertain significance (1). Last evaluated 2023-01-20.

Conditions:
GLB1-related disorder. Also called: GLB1-related disorders. Identifiers: MedGen CN377807.
GM1 gangliosidosis. Identifiers: Orphanet 354, MedGen C0085131, MONDO:0018149.
Mucopolysaccharidosis, MPS-IV-B (MPS4B). Also called: MORQUIO SYNDROME B; Mucopolysaccharidosis Type IVB; Mucopolysaccharidosis type 4B; Mucopolysaccharidosis type IVB (Morquio); MPS IVB; Mucopolysaccharidosis Type IVB (Morquio B Disease). Identifiers: Orphanet 309310, Orphanet 582, MedGen C0086652, MONDO:0009660, OMIM 253010.

Submissions (2):

Blueprint Genetics
Classification: Likely pathogenic for GLB1-related disorders. Last evaluated: 2023-01-20. Review status: criteria provided, single submitter. Criteria: ACMG Guidelines, 2015. Collection method: clinical testing. Allele origin: germline. Affected: yes. Observed: 2 variant alleles.

Labcorp Genetics (formerly Invitae), Labcorp
Classification: Uncertain significance for Mucopolysaccharidosis, MPS-IV-B; GM1 gangliosidosis. Last evaluated: 2021-08-02. Review status: criteria provided, single submitter. Criteria: Invitae Variant Classification Sherloc (09022015). Collection method: clinical testing. Allele origin: germline.
Comment: This sequence change replaces glycine with glutamic acid at codon 319 of the GLB1 protein (p.Gly319Glu). The glycine residue is highly conserved and there is a moderate physicochemical difference between glycine and glutamic acid. This variant is not present in population databases (ExAC no frequency). This variant has not been reported in the literature in individuals affected with GLB1-related conditions. Algorithms developed to predict the effect of missense changes on protein structure and function (SIFT, PolyPhen-2, Align-GVGD) all suggest that this variant is likely to be disruptive. Algorithms developed to predict the effect of sequence changes on RNA splicing suggest that this variant may disrupt the consensus splice site. In summary, the available evidence is currently insufficient to determine the role of this variant in disease. Therefore, it has been classified as a Variant of Uncertain Significance.